The following is an entry in ClinVar:

ClinVar aggregate classification (germline): Conflicting classifications of pathogenicity. Review status: criteria provided, conflicting classifications (1 of 4 stars). 4 submissions from 4 submitters: Uncertain significance (3); Likely benign (1). Last evaluated 2024-10-11.

Conditions:
Peutz-Jeghers syndrome (PJS). Also called: POLYPOSIS, HAMARTOMATOUS INTESTINAL; POLYPS-AND-SPOTS SYNDROME; Peutz-Jeghers polyposis; Periorificial lentiginosis syndrome. Identifiers: Orphanet 2869, MedGen C0031269, MeSH D010580, MONDO:0008280, OMIM 175200.
Hereditary cancer-predisposing syndrome. Also called: Tumor predisposition; Neoplastic Syndromes, Hereditary; Hereditary Cancer Syndrome; Hereditary neoplastic syndrome. Identifiers: Orphanet 140162, MedGen C0027672, MeSH D009386, MONDO:0015356.

Submissions (4):

Ambry Genetics
Classification: Likely benign for Hereditary cancer-predisposing syndrome. Last evaluated: 2024-10-11. Review status: criteria provided, single submitter. Criteria: Ambry Variant Classification Scheme 2023. Collection method: clinical testing. Allele origin: germline.

Labcorp Genetics (formerly Invitae), Labcorp
Classification: Uncertain significance for Peutz-Jeghers syndrome. Last evaluated: 2023-10-13. Review status: criteria provided, single submitter. Criteria: Invitae Variant Classification Sherloc (09022015). Collection method: clinical testing. Allele origin: germline.
Comment: This sequence change replaces arginine, which is basic and polar, with glycine, which is neutral and non-polar, at codon 405 of the STK11 protein (p.Arg405Gly). This variant is not present in population databases (gnomAD no frequency). This variant has not been reported in the literature in individuals affected with STK11-related conditions. ClinVar contains an entry for this variant (Variation ID: 486519). Advanced modeling of protein sequence and biophysical properties (such as structural, functional, and spatial information, amino acid conservation, physicochemical variation, residue mobility, and thermodynamic stability) performed at Invitae indicates that this missense variant is not expected to disrupt STK11 protein function. In summary, the available evidence is currently insufficient to determine the role of this variant in disease. Therefore, it has been classified as a Variant of Uncertain Significance.

Color Diagnostics, LLC DBA Color Health
Classification: Uncertain significance for Hereditary cancer-predisposing syndrome. Last evaluated: 2023-08-31. Review status: criteria provided, single submitter. Criteria: ACMG Guidelines, 2015. Collection method: clinical testing. Allele origin: germline.
Comment: This variant replaces arginine with glycine at codon 405 in the STK11 gene. Computational prediction suggests that this variant may not impact protein structure and function (internally defined REVEL score threshold <= 0.5, PMID: 27666373). To our knowledge, functional studies have not been reported for this variant. This variant has not been reported in individuals affected with STK11-related disorders in the literature. This variant has not been identified in the general population by the Genome Aggregation Database (gnomAD). The available evidence is insufficient to determine the role of this variant in disease conclusively. Therefore, this variant is classified as a Variant of Uncertain Significance.

Genome-Nilou Lab
Classification: Uncertain significance for Peutz-Jeghers syndrome. Last evaluated: 2021-07-15. Review status: criteria provided, single submitter. Criteria: ACMG Guidelines, 2015. Collection method: clinical testing. Allele origin: germline. Affected: no.

NM_000455.5(STK11):c.1213A>G (p.Arg405Gly)

Gene: STK11 (serine/threonine kinase 11; plus strand). Cytogenetic location: 19p13.3.
Variant type: single nucleotide variant.
Coding change: c.1213A>G on transcript NM_000455.5 (MANE Select); coding-DNA position 1213, A replaced by G.
Protein change: p.Arg405Gly; replaces arginine 405 with glycine.
Molecular consequence: missense variant.
Genome position (GRCh38, 1-based): chr19:1,226,558, A>G. VCF-style: chr19-1226558-A-G. GRCh37 (hg19) VCF-style: chr19-1226557-A-G.
Other names: short protein forms R405G.
Identifiers: ClinVar variation 486519 (VCV000486519.19), dbSNP rs376718324, ClinGen allele CA402953765.